The following is an entry in ClinVar:

NC_000023.10:g.(?_31187540)_(31676281_?)dup

Gene: DMD (dystrophin; minus strand). Cytogenetic location: Xp21.2-21.1.
Variant type: Duplication.
Identifiers: ClinVar variation 3243297 (VCV003243297.1).

ClinVar aggregate classification (germline): Likely pathogenic (1 of 4 stars; one submission).

Conditions:
Duchenne muscular dystrophy (DMD). Also called: MUSCULAR DYSTROPHY, PSEUDOHYPERTROPHIC PROGRESSIVE, DUCHENNE TYPE; Duchenne Muscular Dystrophy (DMD). Identifiers: Orphanet 98896, MedGen C0013264, MONDO:0010679, OMIM 310200.

Submission:

Labcorp Genetics (formerly Invitae), Labcorp
Classification: Likely pathogenic for Duchenne muscular dystrophy. Last evaluated: 2023-05-10. Review status: criteria provided, single submitter. Criteria: Invitae Variant Classification Sherloc (09022015). Collection method: clinical testing. Allele origin: unknown.
Comment: In summary, the currently available evidence indicates that the variant is pathogenic, but additional data are needed to prove that conclusively. Therefore, this variant has been classified as Likely Pathogenic. A similar copy number variant has been observed in individual(s) with Duchenne muscular dystrophy (PMID: 31705731). This variant results in a copy number gain of the genomic region encompassing exon(s) 54-74 of the DMD gene. While the exact position of this variant cannot be determined from the data, sub-genic copy number gains are generally in tandem (PMID: 25640679). This variant is predicted to be out-of-frame, and may result in an absent or disrupted protein product. Loss-of-function variants in DMD are known to be pathogenic (PMID: 16770791, 25007885).

Literature cited by the submitters: PubMed 31705731; PubMed 25640679; PubMed 16770791; PubMed 25007885.